The following is an entry in ClinVar:

NM_181783.4(TMTC3):c.2282A>T (p.Glu761Val)

Gene: TMTC3 (transmembrane O-mannosyltransferase targeting cadherins 3; plus strand). Cytogenetic location: 12q21.32.
Variant type: single nucleotide variant.
Coding change: c.2282A>T on transcript NM_181783.4 (MANE Select); coding-DNA position 2282, A replaced by T.
Protein change: p.Glu761Val; replaces glutamic acid 761 with valine.
Molecular consequence: missense variant. On other transcripts: non-coding transcript variant (1).
Genome position (GRCh38, 1-based): chr12:88,195,186, A>T. VCF-style: chr12-88195186-A-T. GRCh37 (hg19) VCF-style: chr12-88588963-A-T.
Other names: c.2102A>T, p.Glu701Val (NM_001366574.1); c.2063A>T, p.Glu688Val (NM_001366579.1); c.2015A>T, p.Glu672Val (NM_001366580.1); c.1589A>T, p.Glu530Val (NM_001366583.1); short protein forms E701V, E530V, E688V, E672V, E761V.
Identifiers: ClinVar variation 2009795 (VCV002009795.4), dbSNP rs2502045176, ClinGen allele CA386119590.

ClinVar aggregate classification (germline): Uncertain significance (1 of 4 stars; one submission).

Submission:

Labcorp Genetics (formerly Invitae), Labcorp
Classification: Uncertain significance. Last evaluated: 2022-07-03. Review status: criteria provided, single submitter. Criteria: Invitae Variant Classification Sherloc (09022015). Collection method: clinical testing. Allele origin: germline.
Comment: In summary, the available evidence is currently insufficient to determine the role of this variant in disease. Therefore, it has been classified as a Variant of Uncertain Significance. Algorithms developed to predict the effect of missense changes on protein structure and function are either unavailable or do not agree on the potential impact of this missense change (SIFT: "Deleterious"; PolyPhen-2: "Benign"; Align-GVGD: "Class C0"). This variant has not been reported in the literature in individuals affected with TMTC3-related conditions. This variant is not present in population databases (gnomAD no frequency). This sequence change replaces glutamic acid, which is acidic and polar, with valine, which is neutral and non-polar, at codon 761 of the TMTC3 protein (p.Glu761Val).